The following is an entry in ClinVar:

NM_004438.5(EPHA4):c.2858G>C (p.Arg953Thr)

Genes: EPHA4 (EPH receptor A4; minus strand), LOC126806527 (BRD4-independent group 4 enhancer GRCh37_chr2:222289669-222290868; plus strand). Cytogenetic location: 2q36.1.
Variant type: single nucleotide variant.
Coding change: c.2858G>C on transcript NM_004438.5 (MANE Select); coding-DNA position 2858, G replaced by C.
Protein change: p.Arg953Thr; replaces arginine 953 with threonine.
Molecular consequence: missense variant. On other transcripts: 3 prime UTR variant (1).
Genome position (GRCh38, 1-based): chr2:221,426,131, C>G on the plus strand (G>C on the coding strand, the complement: EPHA4 is on the minus strand). VCF-style: chr2-221426131-C-G. GRCh37 (hg19) VCF-style: chr2-222290851-C-G.
Other names: c.2858G>C, p.Arg953Thr (NM_001304536.2); c.2705G>C, p.Arg902Thr (NM_001304537.2); c.*37G>C (NM_001363748.2); short protein forms R953T, R902T.
Identifiers: ClinVar variation 1522358 (VCV001522358.8), dbSNP rs35341687, ClinGen allele CA2134644.

ClinVar aggregate classification (germline): Uncertain significance (1 of 4 stars; one submission).

Allele frequency attached by ClinVar (database versions not stated): ExAC 0.00001; gnomAD exomes 0.00001; TOPMed 0.00001.
gnomAD v4.1: 3 of 1,614,084 alleles (0.00019%); highest among the groups gnomAD compares: Admixed American, 0.005%; no homozygotes.

Submission:

Labcorp Genetics (formerly Invitae), Labcorp
Classification: Uncertain significance. Last evaluated: 2022-11-03. Review status: criteria provided, single submitter. Criteria: Invitae Variant Classification Sherloc (09022015). Collection method: clinical testing. Allele origin: germline.
Comment: This sequence change replaces arginine, which is basic and polar, with threonine, which is neutral and polar, at codon 953 of the EPHA4 protein (p.Arg953Thr). In summary, the available evidence is currently insufficient to determine the role of this variant in disease. Therefore, it has been classified as a Variant of Uncertain Significance. Algorithms developed to predict the effect of missense changes on protein structure and function are either unavailable or do not agree on the potential impact of this missense change (SIFT: "Deleterious"; PolyPhen-2: "Probably Damaging"; Align-GVGD: "Class C0"). ClinVar contains an entry for this variant (Variation ID: 1522358). This variant has not been reported in the literature in individuals affected with EPHA4-related conditions. This variant is present in population databases (rs35341687, gnomAD 0.009%).